The following is an entry in ClinVar:

ClinVar aggregate classification (germline): Uncertain significance (1 of 4 stars; one submission).

Allele frequency attached by ClinVar (database versions not stated): TOPMed 0.00003; gnomAD 0.00001.
gnomAD v4.1: 13 of 1,613,422 alleles (0.00081%); highest among the groups gnomAD compares: Non-Finnish European, 0.0011%; no homozygotes.

Submission:

Labcorp Genetics (formerly Invitae), Labcorp
Classification: Uncertain significance. Last evaluated: 2022-09-26. Review status: criteria provided, single submitter. Criteria: Invitae Variant Classification Sherloc (09022015). Collection method: clinical testing. Allele origin: germline.
Comment: This sequence change replaces valine, which is neutral and non-polar, with leucine, which is neutral and non-polar, at codon 107 of the TUBGCP6 protein (p.Val107Leu). This variant is present in population databases (no rsID available, gnomAD 0.003%). This variant has not been reported in the literature in individuals affected with TUBGCP6-related conditions. ClinVar contains an entry for this variant (Variation ID: 1469392). Algorithms developed to predict the effect of missense changes on protein structure and function output the following: SIFT: "Tolerated"; PolyPhen-2: "Benign"; Align-GVGD: "Class C0". The leucine amino acid residue is found in multiple mammalian species, which suggests that this missense change does not adversely affect protein function. In summary, the available evidence is currently insufficient to determine the role of this variant in disease. Therefore, it has been classified as a Variant of Uncertain Significance.

NM_020461.4(TUBGCP6):c.319G>T (p.Val107Leu)

Gene: TUBGCP6 (tubulin gamma complex component 6; minus strand). Cytogenetic location: 22q13.33.
Variant type: single nucleotide variant.
Coding change: c.319G>T on transcript NM_020461.4 (MANE Select); coding-DNA position 319, G replaced by T.
Protein change: p.Val107Leu; replaces valine 107 with leucine.
Molecular consequence: missense variant.
Genome position (GRCh38, 1-based): chr22:50,244,141, C>A on the plus strand (G>T on the coding strand, the complement: TUBGCP6 is on the minus strand). VCF-style: chr22-50244141-C-A. GRCh37 (hg19) VCF-style: chr22-50682570-C-A.
Other names: short protein forms V107L.
Identifiers: ClinVar variation 1469392 (VCV001469392.3), dbSNP rs912667390, ClinGen allele CA325485593.